The following is an entry in ClinVar:

NM_007078.3(LDB3):c.256C>T (p.Pro86Ser)

Gene: LDB3 (LIM domain binding 3; plus strand). Cytogenetic location: 10q23.2.
Variant type: single nucleotide variant.
Coding change: c.256C>T on transcript NM_007078.3 (MANE Select); coding-DNA position 256, C replaced by T.
Protein change: p.Pro86Ser; replaces proline 86 with serine.
Molecular consequence: missense variant.
Genome position (GRCh38, 1-based): chr10:86,680,092, C>T. VCF-style: chr10-86680092-C-T. GRCh37 (hg19) VCF-style: chr10-88439849-C-T.
Other names: c.256C>T, p.Pro86Ser (NM_001080114.2, NM_001080115.2, NM_001080116.1 and 8 more transcripts); short protein forms P86S.
Identifiers: ClinVar variation 3000778 (VCV003000778.4), dbSNP rs2492572495, ClinGen allele CA377452125.

ClinVar aggregate classification (germline): Uncertain significance. Review status: criteria provided, multiple submitters, no conflicts (2 of 4 stars). 2 submissions from 2 submitters: Uncertain significance (2). Last evaluated 2023-10-20.

Conditions:
Cardiovascular phenotype. Identifiers: MedGen CN230736.
Myofibrillar myopathy 4. Also called: Zaspopathy (type). Identifiers: Orphanet 98912, MedGen C4721886, MONDO:0012277, OMIM 609452.

Allele frequency attached by ClinVar (database versions not stated): gnomAD exomes below 0.00001.

Submissions (2):

Labcorp Genetics (formerly Invitae), Labcorp
Classification: Uncertain significance for Myofibrillar myopathy 4. Last evaluated: 2023-10-20. Review status: criteria provided, single submitter. Criteria: Invitae Variant Classification Sherloc (09022015). Collection method: clinical testing. Allele origin: germline.
Comment: This sequence change replaces proline, which is neutral and non-polar, with serine, which is neutral and polar, at codon 86 of the LDB3 protein (p.Pro86Ser). This variant is not present in population databases (gnomAD no frequency). This variant has not been reported in the literature in individuals affected with LDB3-related conditions. An algorithm developed to predict the effect of missense changes on protein structure and function (PolyPhen-2) suggests that this variant is likely to be tolerated. In summary, the available evidence is currently insufficient to determine the role of this variant in disease. Therefore, it has been classified as a Variant of Uncertain Significance.

Ambry Genetics
Classification: Uncertain significance for Cardiovascular phenotype. Last evaluated: 2023-10-12. Review status: criteria provided, single submitter. Criteria: Ambry Variant Classification Scheme 2023. Collection method: clinical testing. Allele origin: germline.
Comment: The p.P86S variant (also known as c.256C>T), located in coding exon 3 of the LDB3 gene, results from a C to T substitution at nucleotide position 256. The proline at codon 86 is replaced by serine, an amino acid with similar properties. This amino acid position is conserved. In addition, the in silico prediction for this alteration is inconclusive. Since supporting evidence is limited at this time, the clinical significance of this alteration remains unclear.